The following is an entry in ClinVar:

ClinVar aggregate classification (germline): Uncertain significance (1 of 4 stars; one submission).

Conditions:
Nemaline myopathy 2 (NEM2). Also called: Nemaline myopathy 2, autosomal recessive. Identifiers: MedGen C1850569, MONDO:0009725, OMIM 256030.

Submission:

Labcorp Genetics (formerly Invitae), Labcorp
Classification: Uncertain significance for Nemaline myopathy 2. Last evaluated: 2021-03-16. Review status: criteria provided, single submitter. Criteria: Invitae Variant Classification Sherloc (09022015). Collection method: clinical testing. Allele origin: germline.
Comment: In summary, the available evidence is currently insufficient to determine the role of this variant in disease. Therefore, it has been classified as a Variant of Uncertain Significance. Algorithms developed to predict the effect of missense changes on protein structure and function are either unavailable or do not agree on the potential impact of this missense change (SIFT: "Deleterious"; PolyPhen-2: "Not Available"; Align-GVGD: "Class C0"). This variant has not been reported in the literature in individuals with NEB-related conditions. This variant is not present in population databases (ExAC no frequency). This sequence change replaces alanine with threonine at codon 3232 of the NEB protein (p.Ala3232Thr). The alanine residue is moderately conserved and there is a small physicochemical difference between alanine and threonine.

NM_001164508.2(NEB):c.9694G>A (p.Ala3232Thr)

Gene: NEB (nebulin; minus strand). Cytogenetic location: 2q23.3.
Variant type: single nucleotide variant.
Coding change: c.9694G>A on transcript NM_001164508.2 (MANE Select); coding-DNA position 9694, G replaced by A.
Protein change: p.Ala3232Thr; replaces alanine 3232 with threonine.
Molecular consequence: missense variant.
Genome position (GRCh38, 1-based): chr2:151,630,744, C>T on the plus strand (G>A on the coding strand, the complement: NEB is on the minus strand). VCF-style: chr2-151630744-C-T. GRCh37 (hg19) VCF-style: chr2-152487258-C-T.
Other names: c.9694G>A, p.Ala3232Thr (NM_001164507.2, NM_001271208.2); c.8965G>A, p.Ala2989Thr (NM_004543.5); short protein forms A3232T, A2989T.
Identifiers: ClinVar variation 1516910 (VCV001516910.8), dbSNP rs1329330602, ClinGen allele CA348798810.